The following is an entry in ClinVar:

NM_003073.5(SMARCB1):c.620A>G (p.Asn207Ser)

Gene: SMARCB1 (SWI/SNF related BAF chromatin remodeling complex subunit B1; plus strand). Cytogenetic location: 22q11.23.
Variant type: single nucleotide variant.
Coding change: c.620A>G on transcript NM_003073.5 (MANE Select); coding-DNA position 620, A replaced by G.
Protein change: p.Asn207Ser; replaces asparagine 207 with serine.
Molecular consequence: missense variant.
Genome position (GRCh38, 1-based): chr22:23,803,414, A>G. VCF-style: chr22-23803414-A-G. GRCh37 (hg19) VCF-style: chr22-24145601-A-G.
Other names: c.620A>G (NM_003073.3); c.593A>G, p.Asn198Ser (NM_001007468.3); c.647A>G, p.Asn216Ser (NM_001317946.2); c.674A>G, p.Asn225Ser (NM_001362877.2); short protein forms N198S, N216S, N207S, N225S.
Identifiers: ClinVar variation 1478236 (VCV001478236.11), dbSNP rs763872301, ClinGen allele CA10145993.

ClinVar aggregate classification (germline): Conflicting classifications of pathogenicity. Review status: criteria provided, conflicting classifications (1 of 4 stars). 3 submissions from 3 submitters: Uncertain significance (2); Likely benign (1). Last evaluated 2025-11-11.

Conditions:
Hereditary cancer-predisposing syndrome. Also called: Tumor predisposition; Hereditary Cancer Syndrome; Hereditary neoplastic syndrome; Neoplastic Syndromes, Hereditary. Identifiers: Orphanet 140162, MedGen C0027672, MeSH D009386, MONDO:0015356.
Intellectual disability, autosomal dominant 15 (CSS3). Also called: COFFIN-SIRIS SYNDROME 3. Identifiers: Orphanet 1465, MedGen C3553248, MONDO:0013820, OMIM 614608.

Allele frequency attached by ClinVar (database versions not stated): gnomAD exomes below 0.00001 and 0.00001; ExAC 0.00001.
gnomAD v4.1: 1 of 1,614,120 alleles (0.000062%); highest among the groups gnomAD compares: Non-Finnish European, 0.000085%; no homozygotes.

Submissions (3):

Ambry Genetics
Classification: Likely benign for Hereditary cancer-predisposing syndrome. Last evaluated: 2025-11-11. Review status: criteria provided, single submitter. Criteria: Ambry Variant Classification Scheme 2023. Collection method: clinical testing. Allele origin: germline.

Revvity Omics, Revvity
Classification: Uncertain significance for Intellectual disability, autosomal dominant 15. Last evaluated: 2025-03-16. Review status: criteria provided, single submitter. Criteria: ACMG Guidelines, 2015. Collection method: clinical testing. Allele origin: germline.

Labcorp Genetics (formerly Invitae), Labcorp
Classification: Uncertain significance. Last evaluated: 2024-12-26. Review status: criteria provided, single submitter. Criteria: Invitae Variant Classification Sherloc (09022015). Collection method: clinical testing. Allele origin: germline.
Comment: This sequence change replaces asparagine, which is neutral and polar, with serine, which is neutral and polar, at codon 207 of the SMARCB1 protein (p.Asn207Ser). This variant is present in population databases (rs763872301, gnomAD 0.002%). This variant has not been reported in the literature in individuals affected with SMARCB1-related conditions. ClinVar contains an entry for this variant (Variation ID: 1478236). Invitae Evidence Modeling of protein sequence and biophysical properties (such as structural, functional, and spatial information, amino acid conservation, physicochemical variation, residue mobility, and thermodynamic stability) indicates that this missense variant is expected to disrupt SMARCB1 protein function with a positive predictive value of 80%. In summary, the available evidence is currently insufficient to determine the role of this variant in disease. Therefore, it has been classified as a Variant of Uncertain Significance.